The following is an entry in ClinVar:

NM_000179.3(MSH6):c.292_301del (p.Ala98fs)

Gene: MSH6 (mutS homolog 6; plus strand). Cytogenetic location: 2p16.3.
Variant type: Deletion.
Coding change: c.292_301del on transcript NM_000179.3 (MANE Select); coding-DNA positions 292 to 301, 10 bases deleted (GCCAAGATGG; older notation c.292_301delGCCAAGATGG).
Protein change: p.Ala98fs; shifts the reading frame from alanine 98.
Molecular consequence: frameshift variant. On other transcripts: 5 prime UTR variant (2), intron variant (1).
Genome position (GRCh38, 1-based): chr2:47,790,958-47,790,967, GCCAAGATGG deleted; deleting any 10 consecutive bases within chr2:47,790,955-47,790,967 gives the same sequence; the c. name uses the placement nearest the transcript's 3' end. VCF-style (leftmost placement, unchanged base first): chr2-47790954-TTGGGCCAAGA-T. GRCh37 (hg19) VCF-style: chr2-48018093-TTGGGCCAAGA-T.
Other names: c.-445_-436del (NM_001281493.2); c.-611_-602del (NM_001281494.2); c.237+7488_237+7497del (NM_001281492.2); short protein forms A98fs.
Identifiers: ClinVar variation 801222 (VCV000801222.10), dbSNP rs1572708580, ClinGen allele CA915943791.

ClinVar aggregate classification (germline): Pathogenic. Review status: criteria provided, multiple submitters, no conflicts (2 of 4 stars). 2 submissions from 2 submitters: Pathogenic (2). Last evaluated 2020-01-24.

Conditions:
Hereditary nonpolyposis colorectal neoplasms. Identifiers: MedGen C0009405, MeSH D003123.

Submissions (2):

Labcorp Genetics (formerly Invitae), Labcorp
Classification: Pathogenic for Hereditary nonpolyposis colorectal neoplasms. Last evaluated: 2020-01-24. Review status: criteria provided, single submitter. Criteria: Invitae Variant Classification Sherloc (09022015). Collection method: clinical testing. Allele origin: germline.
Comment: For these reasons, this variant has been classified as Pathogenic. Loss-of-function variants in MSH6 are known to be pathogenic (PMID: 18269114, 24362816). This variant has not been reported in the literature in individuals with MSH6-related conditions. This variant is not present in population databases (ExAC no frequency). This sequence change creates a premature translational stop signal (p.Ala98Argfs*48) in the MSH6 gene. It is expected to result in an absent or disrupted protein product.

Quest Diagnostics Nichols Institute San Juan Capistrano
Classification: Pathogenic. Last evaluated: 2019-06-11. Review status: criteria provided, single submitter. Criteria: Quest Diagnostics criteria. Collection method: clinical testing. Allele origin: germline.
Comment: The variant results in a shift of the reading frame, and is therefore predicted to result in the loss of a functional protein. Found in at least one symptomatic patient, and not found in general population data.

Literature cited by the submitters: PubMed 18269114 (cited by Labcorp Genetics (formerly Invitae), Labcorp); PubMed 24362816 (cited by Labcorp Genetics (formerly Invitae), Labcorp).